The following is an entry in ClinVar:

NM_152468.5(TMC8):c.1397G>A (p.Arg466Gln)

Gene: TMC8 (transmembrane channel like 8; plus strand). Cytogenetic location: 17q25.3.
Variant type: single nucleotide variant.
Coding change: c.1397G>A on transcript NM_152468.5 (MANE Select); coding-DNA position 1397, G replaced by A.
Protein change: p.Arg466Gln; replaces arginine 466 with glutamine.
Molecular consequence: missense variant.
Genome position (GRCh38, 1-based): chr17:78,138,052, G>A. VCF-style: chr17-78138052-G-A. GRCh37 (hg19) VCF-style: chr17-76134133-G-A.
Other names: short protein forms R466Q.
Identifiers: ClinVar variation 1431082 (VCV001431082.6), dbSNP rs559358892, ClinGen allele CA8796861.

ClinVar aggregate classification (germline): Uncertain significance (1 of 4 stars; one submission).

Conditions:
Epidermodysplasia verruciformis. Identifiers: Orphanet 302, MedGen C0014522, MONDO:0009176.

Allele frequency attached by ClinVar (database versions not stated): gnomAD 0.00002 and 0.00004; TOPMed 0.00003; ExAC 0.00007; 1000 Genomes Project 30x 0.00031; 1000 Genomes Project 0.00040.
gnomAD v4.1: 65 of 1,614,014 alleles (0.004%); highest among the groups gnomAD compares: East Asian, 0.038%; 1 homozygote.

Submission:

Labcorp Genetics (formerly Invitae), Labcorp
Classification: Uncertain significance for Epidermodysplasia verruciformis. Last evaluated: 2023-06-15. Review status: criteria provided, single submitter. Criteria: Invitae Variant Classification Sherloc (09022015). Collection method: clinical testing. Allele origin: germline.
Comment: In summary, the available evidence is currently insufficient to determine the role of this variant in disease. Therefore, it has been classified as a Variant of Uncertain Significance. Advanced modeling of protein sequence and biophysical properties (such as structural, functional, and spatial information, amino acid conservation, physicochemical variation, residue mobility, and thermodynamic stability) performed at Invitae indicates that this missense variant is not expected to disrupt TMC8 protein function. ClinVar contains an entry for this variant (Variation ID: 1431082). This variant has not been reported in the literature in individuals affected with TMC8-related conditions. This variant is present in population databases (rs559358892, gnomAD 0.06%). This sequence change replaces arginine, which is basic and polar, with glutamine, which is neutral and polar, at codon 466 of the TMC8 protein (p.Arg466Gln).